The following is an entry in ClinVar:

ClinVar aggregate classification (germline): Likely benign (0 of 4 stars; one submission).

Conditions:
IL34-related disorder. Also called: IL34-related condition.

Allele frequency attached by ClinVar (database versions not stated): 1000 Genomes Project 0.00080; 1000 Genomes Project 30x 0.00125; ExAC 0.00170; TOPMed 0.00181; gnomAD 0.00188; ESP Exome Variant Server 0.00223.
gnomAD v4.1: 2,723 of 1,331,086 alleles (0.2%); highest among the groups gnomAD compares: Non-Finnish European, 0.27%; 7 homozygotes.

Submission:

PreventionGenetics, part of Exact Sciences
Classification: Likely benign for IL34-related condition. Last evaluated: 2022-02-01. Review status: no assertion criteria provided. Collection method: clinical testing. Allele origin: germline.
Comment: This variant is classified as likely benign based on ACMG/AMP sequence variant interpretation guidelines (Richards et al. 2015 PMID: 25741868, with internal and published modifications).

NM_001393494.1(IL34):c.169T>C (p.Tyr57His)

Gene: IL34 (interleukin 34; plus strand). Cytogenetic location: 16q22.1.
Variant type: single nucleotide variant.
Coding change: c.169T>C on transcript NM_001393494.1 (MANE Select); coding-DNA position 169, T replaced by C.
Protein change: p.Tyr57His; replaces tyrosine 57 with histidine.
Molecular consequence: missense variant.
Genome position (GRCh38, 1-based): chr16:70,656,608, T>C. VCF-style: chr16-70656608-T-C. GRCh37 (hg19) VCF-style: chr16-70690511-T-C.
Other names: c.169T>C, p.Tyr57His (NM_001172771.2, NM_001172772.2, NM_001393493.1 and 3 more transcripts); c.94T>C, p.Tyr32His (NM_001393497.1, NM_001393498.1); short protein forms Y32H, Y57H.
Identifiers: ClinVar variation 3037658 (VCV003037658.2), dbSNP rs118062333, ClinGen allele CA8145996.
Genomic context (GRCh38, chr16:70,656,608, plus strand): 5'-GCCTGCTGGTCATTTCTACTTCTGGCCTCATAGTTTGTTCTTGTGCCTCTCCAGAAACAC[T>C]ACTTCCCCATCAACTACAAGATCAGTGTGCCTTACGAGGGGGTGTTCAGAATCGCCAACG-3'
Protein context (NP_001380423.1, residues 47-67): YRSRLQYMKH[Tyr57His]FPINYKISVP